The following is an entry in ClinVar:

ClinVar aggregate classification (germline): Benign (1 of 4 stars; one submission).

Conditions:
FMN2-related disorder. Also called: FMN2-related condition.

Allele frequency attached by ClinVar (database versions not stated): ESP Exome Variant Server 0.00677; gnomAD exomes 0.01576; gnomAD 0.03766.
gnomAD v4.1: 20,454 of 1,218,270 alleles (1.7%); highest among the groups gnomAD compares: African/African-American, 3%; 1,770 homozygotes.

Submission:

PreventionGenetics, part of Exact Sciences
Classification: Benign for FMN2-related condition. Last evaluated: 2019-08-08. Review status: criteria provided, single submitter. Criteria: ACMG Guidelines, 2015. Collection method: clinical testing. Allele origin: germline.
Comment: This variant is classified as benign based on ACMG/AMP sequence variant interpretation guidelines (Richards et al. 2015 PMID: 25741868, with internal and published modifications).

NM_020066.5(FMN2):c.2844A>T (p.Leu948=)

Gene: FMN2 (formin 2; plus strand). Cytogenetic location: 1q43.
Variant type: single nucleotide variant.
Coding change: c.2844A>T on transcript NM_020066.5 (MANE Select); coding-DNA position 2844, A replaced by T.
Protein change: p.Leu948=; no amino-acid change (leucine 948 retained).
Molecular consequence: synonymous variant. On other transcripts: intron variant (1).
Genome position (GRCh38, 1-based): chr1:240,207,656, A>T. VCF-style: chr1-240207656-A-T. GRCh37 (hg19) VCF-style: chr1-240370956-A-T.
Other names: c.2856A>T, p.Leu952= (NM_001305424.2); c.1986+19394A>T (NM_001348094.2).
Identifiers: ClinVar variation 3042195 (VCV003042195.1), dbSNP rs142725738, ClinGen allele CA1476802.